The following is an entry in ClinVar:

ClinVar aggregate classification (germline): Benign/Likely benign. Review status: criteria provided, multiple submitters, no conflicts (2 of 4 stars). 2 submissions from 2 submitters: Benign (1); Likely benign (1). Last evaluated 2026-09-01.

Allele frequency attached by ClinVar (database versions not stated): 1000 Genomes Project 30x 0.00016; 1000 Genomes Project 0.00020; TOPMed 0.00076; gnomAD 0.00090; gnomAD exomes 0.00095.
gnomAD v4.1: 386 of 398,668 alleles (0.097%); highest among the groups gnomAD compares: Middle Eastern, 0.19%; 1 homozygote.

Submissions (2):

CeGaT Center for Human Genetics Tuebingen
Classification: Benign. Last evaluated: 2026-09-01. Review status: criteria provided, single submitter. Criteria: CeGaT Center For Human Genetics Tuebingen Variant Classification Criteria Version 2. Collection method: clinical testing. Allele origin: germline. Affected: yes. Observed: 24 variant alleles.
Comment: KCNQ1OT1: BS1, BS2

Blueprint Genetics
Classification: Likely benign. Last evaluated: 2024-11-26. Review status: criteria provided, single submitter. Criteria: ACMG Guidelines, 2015. Collection method: clinical testing. Allele origin: germline.

NM_000218.3(KCNQ1):c.1394-7402G>A

Genes: KCNQ1 (potassium voltage-gated channel subfamily Q member 1; plus strand), KCNQ1OT1 (KCNQ1 opposite strand/antisense transcript 1; minus strand). Cytogenetic location: 11p15.5.
Variant type: single nucleotide variant.
Coding change: c.1394-7402G>A on transcript NM_000218.3 (MANE Select); 7402 bases into the intron before coding-DNA position 1394, G replaced by A.
Molecular consequence: intron variant.
Genome position (GRCh38, 1-based): chr11:2,654,559, G>A. VCF-style: chr11-2654559-G-A. GRCh37 (hg19) VCF-style: chr11-2675789-G-A.
Other names: c.1124-7402G>A (NM_001406837.1); c.1298-7402G>A (NM_001406836.1); c.854-7402G>A (NM_001406838.1); c.1013-7402G>A (NM_181798.2).
Identifiers: ClinVar variation 1711291 (VCV001711291.31), dbSNP rs572667729, ClinGen allele CA216165588.